The following is an entry in ClinVar:

ClinVar aggregate classification (germline): Uncertain significance (1 of 4 stars; one submission).

Conditions:
SHANK3-related disorder. Also called: SHANK3-related condition.

Submission:

PreventionGenetics, part of Exact Sciences
Classification: Uncertain significance for SHANK3-related condition. Last evaluated: 2026-06-03. Review status: criteria provided, single submitter. Criteria: ACMG Guidelines, 2015. Collection method: clinical testing. Allele origin: germline.
Comment: The SHANK3 c.4589C>G variant is predicted to result in the amino acid substitution p.Pro1530Arg. To our knowledge, this variant has not been reported in the literature or in a large population database (gnomAD), indicating this variant is rare. At this time, the clinical significance of this variant is uncertain due to the absence of conclusive functional and genetic evidence.

NM_001372044.2(SHANK3):c.4814C>G (p.Pro1605Arg)

Gene: SHANK3 (SH3 and multiple ankyrin repeat domains 3; plus strand). Cytogenetic location: 22q13.33.
Variant type: single nucleotide variant.
Coding change: c.4814C>G on transcript NM_001372044.2 (MANE Select); coding-DNA position 4814, C replaced by G.
Protein change: p.Pro1605Arg; replaces proline 1605 with arginine.
Molecular consequence: missense variant.
Genome position (GRCh38, 1-based): chr22:50,722,422, C>G. VCF-style: chr22-50722422-C-G. GRCh37 (hg19) VCF-style: chr22-51160850-C-G.
Other names: c.4589C>G (NM_033517.1); short protein forms P1605R.
Identifiers: ClinVar variation 4992836 (VCV004992836.1).